The following is an entry in ClinVar:

NM_021927.3(GUF1):c.1339C>T (p.His447Tyr)

Gene: GUF1 (GTP binding elongation factor GUF1; plus strand). Cytogenetic location: 4p12.
Variant type: single nucleotide variant.
Coding change: c.1339C>T on transcript NM_021927.3 (MANE Select); coding-DNA position 1339, C replaced by T.
Protein change: p.His447Tyr; replaces histidine 447 with tyrosine.
Molecular consequence: missense variant.
Genome position (GRCh38, 1-based): chr4:44,690,720, C>T. VCF-style: chr4-44690720-C-T. GRCh37 (hg19) VCF-style: chr4-44692737-C-T.
Other names: c.1339C>T (NM_021927.2); c.367C>T, p.His123Tyr (NM_001345867.2, NM_001345869.2); c.1339C>T, p.His447Tyr (NM_001345868.2); short protein forms H123Y, H447Y.
Identifiers: ClinVar variation 2037799 (VCV002037799.5), dbSNP rs1361221734, ClinGen allele CA356763729.

ClinVar aggregate classification (germline): Conflicting classifications of pathogenicity. Review status: criteria provided, conflicting classifications (1 of 4 stars). 2 submissions from 2 submitters: Uncertain significance (1); Likely benign (1). Last evaluated 2024-08-05.

Allele frequency attached by ClinVar (database versions not stated): gnomAD 0.00001; gnomAD exomes 0.00001.
gnomAD v4.1: 10 of 1,530,062 alleles (0.00065%); highest among the groups gnomAD compares: Non-Finnish European, 0.00089%; no homozygotes.

Submissions (2):

Ambry Genetics
Classification: Likely benign. Last evaluated: 2024-08-05. Review status: criteria provided, single submitter. Criteria: Ambry Variant Classification Scheme 2023. Collection method: clinical testing. Allele origin: germline.

Labcorp Genetics (formerly Invitae), Labcorp
Classification: Uncertain significance. Last evaluated: 2023-11-27. Review status: criteria provided, single submitter. Criteria: Invitae Variant Classification Sherloc (09022015). Collection method: clinical testing. Allele origin: germline.
Comment: This sequence change replaces histidine, which is basic and polar, with tyrosine, which is neutral and polar, at codon 447 of the GUF1 protein (p.His447Tyr). The frequency data for this variant in the population databases is considered unreliable, as metrics indicate poor data quality at this position in the gnomAD database. This variant has not been reported in the literature in individuals affected with GUF1-related conditions. ClinVar contains an entry for this variant (Variation ID: 2037799). Algorithms developed to predict the effect of missense changes on protein structure and function output the following: SIFT: "Not Available"; PolyPhen-2: "Benign"; Align-GVGD: "Not Available". The tyrosine amino acid residue is found in multiple mammalian species, which suggests that this missense change does not adversely affect protein function. In summary, the available evidence is currently insufficient to determine the role of this variant in disease. Therefore, it has been classified as a Variant of Uncertain Significance.